The following is an entry in ClinVar:

ClinVar aggregate classification (germline): Likely pathogenic (1 of 4 stars; one submission).

Conditions:
Hereditary cancer-predisposing syndrome. Also called: Neoplastic Syndromes, Hereditary; Tumor predisposition; Hereditary Cancer Syndrome; Hereditary neoplastic syndrome. Identifiers: Orphanet 140162, MedGen C0027672, MeSH D009386, MONDO:0015356.

Submission:

Ambry Genetics
Classification: Likely pathogenic for Hereditary cancer-predisposing syndrome. Last evaluated: 2021-12-08. Review status: criteria provided, single submitter. Criteria: Ambry Variant Classification Scheme 2023. Collection method: clinical testing. Allele origin: germline.
Comment: The c.6567delA variant, located in coding exon 15 of the APC gene, results from a deletion of one nucleotide at nucleotide position 6567, causing a translational frameshift with a predicted alternate stop codon (p.G2190Efs*9). This alteration occurs at the 3' terminus of theAPC gene, is not expected to trigger nonsense-mediated mRNA decay, and only impacts the last 654 amino acids of the protein. However, premature stop codons are typically deleterious in nature, the impacted region is critical for protein function, and a significant portion of the protein is affected (Ambry internal data). This variant is considered to be rare based on population cohorts in the Genome Aggregation Database (gnomAD). Based on the majority of available evidence to date, this variant is likely to be pathogenic.

NM_000038.6(APC):c.6567del (p.Gly2190fs)

Gene: APC (APC regulator of Wnt signaling pathway; plus strand). Cytogenetic location: 5q22.2.
Variant type: Deletion.
Coding change: c.6567del on transcript NM_000038.6 (MANE Select); coding-DNA position 6567, one base deleted (A; older notation c.6567delA).
Protein change: p.Gly2190fs; shifts the reading frame from glycine 2190.
Molecular consequence: frameshift variant.
Genome position (GRCh38, 1-based): chr5:112,842,161, A deleted; the last of 3 consecutive A bases (chr5:112,842,159-112,842,161); deleting any one gives the same sequence. VCF-style (leftmost placement, unchanged base first): chr5-112842158-CA-C. GRCh37 (hg19) VCF-style: chr5-112177855-CA-C.
Other names: c.6567del, p.Gly2190fs (NM_001127510.3, NM_001354895.2); c.6513del, p.Gly2172fs (NM_001127511.3); c.6621del, p.Gly2208fs (NM_001354896.2); c.6597del, p.Gly2200fs (NM_001354897.2); c.6492del, p.Gly2165fs (NM_001354898.2); c.6483del, p.Gly2162fs (NM_001354899.2); c.6444del, p.Gly2149fs (NM_001354900.2); c.6390del, p.Gly2131fs (NM_001354901.2); and 16 more; short protein forms G2149fs, G2200fs, G2208fs, G2030fs, G2099fs, G2131fs, G2162fs, G2172fs.
Identifiers: ClinVar variation 1754218 (VCV001754218.2), dbSNP rs2533724417, ClinGen allele CA2580072353.
Genomic context (GRCh38, chr5:112,842,158, plus strand): 5'-AAAACCAGGGGAGAAAAGTACATTGGAAACTAAAAAGATAGAATCTGAAAGTAAAGGAAT[CA>C]AAGGAGGAAAAAAAGTTTATAAAAGTTTGATTACTGGAAAAGTTCGATCTAATTCAGAAA-3'